The following is an entry in ClinVar:

ClinVar aggregate classification (germline): Uncertain significance. Review status: criteria provided, multiple submitters, no conflicts (2 of 4 stars). 2 submissions from 2 submitters: Uncertain significance (2). Last evaluated 2025-12-07.

Conditions:
Inborn genetic diseases. Identifiers: MedGen C0950123, MeSH D030342.

gnomAD v4.1: 4 of 1,613,932 alleles (0.00025%); highest among the groups gnomAD compares: Non-Finnish European, 0.00034%; no homozygotes.

Submissions (2):

Ambry Genetics
Classification: Uncertain significance for Inborn genetic diseases. Last evaluated: 2025-12-07. Review status: criteria provided, single submitter. Criteria: Ambry Variant Classification Scheme 2023. Collection method: clinical testing. Allele origin: germline.
Comment: The p.P274R variant (also known as c.821C>G), located in coding exon 2 of the GATA2 gene, results from a C to G substitution at nucleotide position 821. The proline at codon 274 is replaced by arginine, an amino acid with dissimilar properties. This amino acid position is conserved. In addition, the in silico prediction for this alteration is inconclusive. Based on the available evidence, the clinical significance of this variant remains unclear.

GeneDx
Classification: Uncertain significance. Last evaluated: 2024-05-17. Review status: criteria provided, single submitter. Criteria: GeneDx Variant Classification Process June 2021. Collection method: clinical testing. Allele origin: germline. Affected: yes.
Comment: Not observed at significant frequency in large population cohorts (gnomAD); In silico analysis indicates that this missense variant does not alter protein structure/function; Has not been previously published as pathogenic or benign to our knowledge

NM_032638.5(GATA2):c.821C>G (p.Pro274Arg)

Gene: GATA2 (GATA binding protein 2; minus strand). Cytogenetic location: 3q21.3.
Variant type: single nucleotide variant.
Coding change: c.821C>G on transcript NM_032638.5 (MANE Select); coding-DNA position 821, C replaced by G.
Protein change: p.Pro274Arg; replaces proline 274 with arginine.
Molecular consequence: missense variant.
Genome position (GRCh38, 1-based): chr3:128,485,777, G>C on the plus strand (C>G on the coding strand, the complement: GATA2 is on the minus strand). VCF-style: chr3-128485777-G-C. GRCh37 (hg19) VCF-style: chr3-128204620-G-C.
Other names: c.821C>G, p.Pro274Arg (NM_001145661.2, NM_001145662.1); short protein forms P274R.
Identifiers: ClinVar variation 3377977 (VCV003377977.2).